The following is an entry in ClinVar:

NM_000179.3(MSH6):c.3802-8T>G

Gene: MSH6 (mutS homolog 6; plus strand). Cytogenetic location: 2p16.3.
Variant type: single nucleotide variant.
Coding change: c.3802-8T>G on transcript NM_000179.3 (MANE Select); 8 bases into the intron before coding-DNA position 3802, T replaced by G.
Molecular consequence: intron variant.
Genome position (GRCh38, 1-based): chr2:47,806,444, T>G. VCF-style: chr2-47806444-T-G. GRCh37 (hg19) VCF-style: chr2-48033583-T-G.
Other names: c.2896-8T>G (NM_001281493.2, NM_001281494.2); c.3412-8T>G (NM_001281492.2).
Identifiers: ClinVar variation 219656 (VCV000219656.16), dbSNP rs864622195, ClinGen allele CA350752.

ClinVar aggregate classification (germline): Conflicting classifications of pathogenicity. Review status: criteria provided, conflicting classifications (1 of 4 stars). 6 submissions from 6 submitters: Uncertain significance (2); Likely benign (3). 1 of the submissions does not count toward it. Last evaluated 2025-12-31.

Conditions:
Hereditary nonpolyposis colorectal neoplasms. Identifiers: MedGen C0009405, MeSH D003123.
Hereditary cancer-predisposing syndrome. Also called: Hereditary neoplastic syndrome; Tumor predisposition; Hereditary Cancer Syndrome; Neoplastic Syndromes, Hereditary. Identifiers: Orphanet 140162, MedGen C0027672, MeSH D009386, MONDO:0015356.
Lynch syndrome 5 (LYNCH5). Also called: Colorectal cancer, hereditary nonpolyposis, type 5; Hereditary non-polyposis colorectal cancer, type 5. Identifiers: Orphanet 144, MedGen C1833477, MONDO:0013710, OMIM 614350. Disease mechanism: loss of function.

Allele frequency attached by ClinVar (database versions not stated): TOPMed below 0.00001.
gnomAD v4.1: 1 of 1,614,070 alleles (0.000062%); highest among the groups gnomAD compares: Non-Finnish European, 0.000085%; no homozygotes.

Submissions (6):

Labcorp Genetics (formerly Invitae), Labcorp
Classification: Likely benign for Hereditary nonpolyposis colorectal neoplasms. Last evaluated: 2025-12-31. Review status: criteria provided, single submitter. Criteria: Invitae Variant Classification Sherloc (09022015). Collection method: clinical testing. Allele origin: germline.

Quest Diagnostics Nichols Institute San Juan Capistrano
Classification: Uncertain significance. Last evaluated: 2025-03-25. Review status: criteria provided, single submitter. Criteria: Quest Diagnostics criteria. Collection method: clinical testing. Allele origin: unknown.
Comment: The MSH6 c.3802-8T>G variant has been reported in the published literature in an individual affected with breast cancer (PMID: 25186627 (2015)). This variant has not been reported in large, multi-ethnic general populations (Genome Aggregation Database). Analysis of this variant using software algorithms for the prediction of the effect of nucleotide changes on splicing yielded predictions that this variant does not affect MSH6 mRNA splicing. Based on the available information, we are unable to determine the clinical significance of this variant.

Myriad Genetics, Inc.
Classification: Uncertain significance for Lynch syndrome 5. Last evaluated: 2023-03-28. Review status: criteria provided, single submitter. Criteria: Myriad Autosomal Dominant, Autosomal Recessive and X-Linked Classification Criteria (2023). Collection method: clinical testing. Allele origin: unknown.
Comment: This variant is classified as a variant of uncertain significance as there is insufficient evidence to determine its impact on protein function and/or cancer risk.

Color Diagnostics, LLC DBA Color Health
Classification: Likely benign for Hereditary cancer-predisposing syndrome. Last evaluated: 2022-02-22. Review status: criteria provided, single submitter. Criteria: ACMG Guidelines, 2015. Collection method: clinical testing. Allele origin: germline.

GeneDx
Classification: Likely benign. Last evaluated: 2016-11-02. Review status: criteria provided, single submitter. Criteria: GeneDx Variant Classification (06012015). Collection method: clinical testing. Allele origin: germline. Affected: yes.
Comment: This variant is considered likely benign or benign based on one or more of the following criteria: it is a conservative change, it occurs at a poorly conserved position in the protein, it is predicted to be benign by multiple in silico algorithms, and/or has population frequency not consistent with disease.

Counsyl
Classification: Likely benign for Lynch syndrome 5. Last evaluated: 2017-12-19. Review status: no assertion criteria provided. Collection method: clinical testing. Allele origin: unknown. Not counted in ClinVar's aggregate classification.

Literature cited by the submitters: PubMed 25186627 (cited by Quest Diagnostics Nichols Institute San Juan Capistrano and Counsyl).